The following is an entry in ClinVar:

ClinVar aggregate classification (germline): Benign/Likely benign. Review status: criteria provided, multiple submitters, no conflicts (2 of 4 stars). 3 submissions from 3 submitters: Benign (2); Likely benign (1). Last evaluated 2025-12-26.

Conditions:
Polycystic liver disease 2 (PCLD2). Also called: Polycystic liver disease 2 with or without kidney cysts. Identifiers: Orphanet 2924, MedGen C4310769, MONDO:0014860, OMIM 617004.

Allele frequency attached by ClinVar (database versions not stated): 1000 Genomes Project 30x 0.00016; 1000 Genomes Project 0.00020; gnomAD exomes 0.00028 and 0.00049; ESP Exome Variant Server 0.00031; ExAC 0.00037; gnomAD 0.00056 and 0.00060; TOPMed 0.00067.
gnomAD v4.1: 522 of 1,611,924 alleles (0.032%); highest among the groups gnomAD compares: Middle Eastern, 0.27%; 2 homozygotes.

Submissions (6):

Labcorp Genetics (formerly Invitae), Labcorp
Classification: Benign. Last evaluated: 2025-12-26. Review status: criteria provided, single submitter. Criteria: Invitae Variant Classification Sherloc (09022015). Collection method: clinical testing. Allele origin: germline.

Blueprint Genetics
Classification: Likely benign. Last evaluated: 2024-11-01. Review status: criteria provided, single submitter. Criteria: ACMG Guidelines, 2015. Collection method: clinical testing. Allele origin: germline.

Illumina Laboratory Services, Illumina
Classification: Benign for Polycystic liver disease 2. Last evaluated: 2018-01-12. Review status: criteria provided, single submitter. Criteria: ICSL Variant Classification Criteria 13 December 2019. Collection method: clinical testing. Allele origin: germline.
Comment: This variant was observed in the ICSL laboratory as part of a predisposition screen in an ostensibly healthy population. It had not been previously curated by ICSL or reported in the Human Gene Mutation Database (HGMD: prior to June 1st, 2018), and was therefore a candidate for classification through an automated scoring system. Utilizing variant allele frequency, disease prevalence and penetrance estimates, and inheritance mode, an automated score was calculated to assess if this variant is too frequent to cause the disease. Based on the score and internal cut-off values, a variant classified as benign is not then subjected to further curation. The score for this variant resulted in a classification of benign for this disease.

Dr. Peter K. Rogan Lab, Western University
No classification provided (evidence only). Condition: Familial cancer of breast. Review status: no classification provided. Collection method: in vitro. Allele origin: not applicable. Functional consequence: retained intron. Not counted in ClinVar's aggregate classification.

Dr. Peter K. Rogan Lab, Western University
No classification provided (evidence only). Condition: Colon adenocarcinoma. Review status: no classification provided. Collection method: in vitro. Allele origin: not applicable. Functional consequence: retained intron. Not counted in ClinVar's aggregate classification.

Dr. Peter K. Rogan Lab, Western University
No classification provided (evidence only). Condition: Thyroid cancer, nonmedullary, 1. Review status: no classification provided. Collection method: in vitro. Allele origin: not applicable. Functional consequence: skipped exon, retained intron. Not counted in ClinVar's aggregate classification.

NM_007214.5(SEC63):c.1674T>C (p.Asn558=)

Gene: SEC63 (SEC63 protein translocation regulator; minus strand). Cytogenetic location: 6q21.
Variant type: single nucleotide variant.
Coding change: c.1674T>C on transcript NM_007214.5 (MANE Select); coding-DNA position 1674, T replaced by C.
Protein change: p.Asn558=; no amino-acid change (asparagine 558 retained).
Molecular consequence: synonymous variant.
Genome position (GRCh38, 1-based): chr6:107,893,482, A>G on the plus strand (T>C on the coding strand, the complement: SEC63 is on the minus strand). VCF-style: chr6-107893482-A-G. GRCh37 (hg19) VCF-style: chr6-108214686-A-G.
Identifiers: ClinVar variation 354901 (VCV000354901.11), dbSNP rs143570743, ClinGen allele CA3947315.
Genomic context (GRCh38, chr6:107,893,482, plus strand): 5'-GAACATTTTAGTTTGTATATTTTAGCTTAATAATGATAATAACGATAATAATAAACTTAC[A>G]TTCCCAACGACTCCATTTGCCTGCTTTTGTTTCTGTTGCTTTGACTGTGGTAATAGCACA-3'
Protein context (NP_009145.1, residues 548-568): KQKQANGVVG[Asn558=]EAAVKEDEEE